The following is an entry in ClinVar:

NM_001330078.2(NRXN1):c.3071-281A>G

Gene: NRXN1 (neurexin 1; minus strand). Cytogenetic location: 2p16.3.
Variant type: single nucleotide variant.
Coding change: c.3071-281A>G on transcript NM_001330078.2 (MANE Select); 281 bases into the intron before coding-DNA position 3071, A replaced by G.
Molecular consequence: intron variant.
Genome position (GRCh38, 1-based): chr2:50,472,752, T>C on the plus strand (A>G on the coding strand, the complement: NRXN1 is on the minus strand). VCF-style: chr2-50472752-T-C. GRCh37 (hg19) VCF-style: chr2-50699890-T-C.
Other names: NC_000002.11:g.50699890T>C; c.2960-281A>G (NM_001330096.2, NM_001330087.2); c.3005-281A>G (NM_001330083.2, NM_001330084.2); c.2990-281A>G (NM_001330088.2); c.3068-281A>G (NM_001330093.2); c.3059-281A>G (NM_001330094.2); c.3020-281A>G (NM_001330095.2); c.3047-281A>G (NM_001330082.2, NM_001330077.2); and 3 more.
Identifiers: ClinVar variation 667536 (VCV000667536.2), dbSNP rs6704933, ClinGen allele CA11309237.

ClinVar aggregate classification (germline): Benign (1 of 4 stars; one submission).

Allele frequency attached by ClinVar (database versions not stated): 1000 Genomes Project 30x 0.52764; 1000 Genomes Project 0.53055; TOPMed 0.55101; gnomAD 0.55889 and 0.56565.
gnomAD v4.1: 84,490 of 150,786 alleles (56%); highest among the groups gnomAD compares: African/African-American, 60%; 24,066 homozygotes.

Submissions (3):

GeneDx
Classification: Benign. Last evaluated: 2018-06-18. Review status: criteria provided, single submitter. Criteria: GeneDx Variant Classification (06012015). Collection method: clinical testing. Allele origin: germline. Affected: yes.
Comment: This variant is considered likely benign or benign based on one or more of the following criteria: it is a conservative change, it occurs at a poorly conserved position in the protein, it is predicted to be benign by multiple in silico algorithms, and/or has population frequency not consistent with disease.

Dr. Peter K. Rogan Lab, Western University
No classification provided (evidence only). Condition: Lung cancer. Review status: no classification provided. Collection method: in vitro. Allele origin: not applicable. Functional consequence: retained intron. Not counted in ClinVar's aggregate classification.

Dr. Peter K. Rogan Lab, Western University
No classification provided (evidence only). Condition: Cervical cancer. Review status: no classification provided. Collection method: in vitro. Allele origin: not applicable. Functional consequence: retained intron. Not counted in ClinVar's aggregate classification.